The following is an entry in ClinVar:

NM_000059.4(BRCA2):c.5171_5172dup (p.Ala1725Ter)

Gene: BRCA2 (BRCA2 DNA repair associated; plus strand). Cytogenetic location: 13q13.1.
Variant type: Microsatellite.
Coding change: c.5171_5172dup on transcript NM_000059.4 (MANE Select); coding-DNA positions 5171 to 5172, 2 bases duplicated (TA; older notation c.5171_5172dupTA).
Protein change: p.Ala1725Ter; replaces alanine 1725 with a stop codon.
Molecular consequence: nonsense.
Genome position (GRCh38, 1-based): chr13:32,339,526-32,339,527, TA duplicated; duplicating any 2 consecutive bases within chr13:32,339,524-32,339,527 gives the same sequence; the c. name uses the placement nearest the transcript's 3' end. VCF-style (leftmost placement, unchanged base first): chr13-32339523-C-CTA. GRCh37 (hg19) VCF-style: chr13-32913660-C-CTA.
Other names: c.5171_5172dupTA (NM_000059.3); short protein forms A1725*.
Identifiers: ClinVar variation 141872 (VCV000141872.17), dbSNP rs587782075, ClinGen allele CA166665.

ClinVar aggregate classification (germline): Pathogenic. Review status: reviewed by expert panel (3 of 4 stars). 4 submissions from 4 submitters: Pathogenic (1). 3 of the submissions do not count toward it. Last evaluated 2016-09-08.

Conditions:
Hereditary cancer-predisposing syndrome. Also called: Neoplastic Syndromes, Hereditary; Tumor predisposition; Hereditary Cancer Syndrome; Hereditary neoplastic syndrome. Identifiers: Orphanet 140162, MedGen C0027672, MeSH D009386, MONDO:0015356.
Hereditary breast ovarian cancer syndrome. Also called: Hereditary breast and/or ovarian cancer syndrome; Hereditary breast and ovarian cancer syndrome; Hereditary breast and ovarian cancer syndrome (HBOC); Breast and ovarian cancer; Hereditary breast and ovarian cancer; BRCA1- and BRCA2-Associated Hereditary Breast and Ovarian Cancer. Identifiers: Orphanet 145, MedGen C0677776, MeSH D061325, MONDO:0003582. Disease mechanism: loss of function.
Breast-ovarian cancer, familial, susceptibility to, 2 (BROVCA2). Also called: BRCA2 Hereditary Breast and Ovarian Cancer. Identifiers: Orphanet 145, MedGen C2675520, MONDO:0012933, OMIM 612555. Disease mechanism: loss of function.

Submissions (4):

Evidence-based Network for the Interpretation of Germline Mutant Alleles (ENIGMA)
Classification: Pathogenic for Breast-ovarian cancer, familial, susceptibility to, 2. Last evaluated: 2016-09-08. Review status: reviewed by expert panel. Criteria: ENIGMA BRCA1/2 Classification Criteria (2015). Collection method: curation. Allele origin: germline.
Comment: Variant allele predicted to encode a truncated non-functional protein.

Ambry Genetics
Classification: Pathogenic for Hereditary cancer-predisposing syndrome. Last evaluated: 2025-08-28. Review status: criteria provided, single submitter. Criteria: Ambry Variant Classification Scheme 2023. Collection method: clinical testing. Allele origin: germline. Not counted in ClinVar's aggregate classification.
Comment: The c.5171_5172dupTA pathogenic mutation, located in coding exon 10 of the BRCA2 gene, results from a duplication of TA at nucleotide position 5171, causing a translational frameshift with a predicted alternate stop codon (p.A1725*). This variant is considered to be rare based on population cohorts in the Genome Aggregation Database (gnomAD). This alteration is expected to result in loss of function by premature protein truncation or nonsense-mediated mRNA decay. As such, this alteration is interpreted as a disease-causing mutation.

Labcorp Genetics (formerly Invitae), Labcorp
Classification: Pathogenic for Hereditary breast ovarian cancer syndrome. Last evaluated: 2020-08-04. Review status: criteria provided, single submitter. Criteria: Invitae Variant Classification Sherloc (09022015). Collection method: clinical testing. Allele origin: germline. Not counted in ClinVar's aggregate classification.
Comment: For these reasons, this variant has been classified as Pathogenic. Loss-of-function variants in BRCA2 are known to be pathogenic (PMID: 20104584). This variant has not been reported in the literature in individuals with BRCA2-related conditions. ClinVar contains an entry for this variant (Variation ID: 141872). This variant is not present in population databases (ExAC no frequency). This sequence change creates a premature translational stop signal (p.Ala1725*) in the BRCA2 gene. It is expected to result in an absent or disrupted protein product.

Molecular Genetics Laboratory, University of Michigan
Classification: Pathogenic for Breast-ovarian cancer, familial, susceptibility to, 2. Last evaluated: 2016-04-21. Review status: criteria provided, single submitter. Criteria: ACMG Guidelines, 2015. Collection method: clinical testing. Allele origin: germline. Affected: yes. Not counted in ClinVar's aggregate classification.

Literature cited by the submitters: PubMed 20104584 (cited by Labcorp Genetics (formerly Invitae), Labcorp).